The following is an entry in ClinVar:

ClinVar aggregate classification (germline): Uncertain significance (1 of 4 stars; one submission).

Conditions:
D-2-hydroxyglutaric aciduria 2 (D2HGA2). Identifiers: Orphanet 79315, MedGen C3150909, MONDO:0013345, OMIM 613657.

Submission:

Labcorp Genetics (formerly Invitae), Labcorp
Classification: Uncertain significance for D-2-hydroxyglutaric aciduria 2. Last evaluated: 2022-05-13. Review status: criteria provided, single submitter. Criteria: Invitae Variant Classification Sherloc (09022015). Collection method: clinical testing. Allele origin: germline.
Comment: This sequence change replaces asparagine, which is neutral and polar, with isoleucine, which is neutral and non-polar, at codon 136 of the IDH2 protein (p.Asn136Ile). In summary, the available evidence is currently insufficient to determine the role of this variant in disease. Therefore, it has been classified as a Variant of Uncertain Significance. Algorithms developed to predict the effect of missense changes on protein structure and function (SIFT, PolyPhen-2, Align-GVGD) all suggest that this variant is likely to be disruptive. This variant has not been reported in the literature in individuals affected with IDH2-related conditions. This variant is not present in population databases (gnomAD no frequency).

NM_002168.4(IDH2):c.407A>T (p.Asn136Ile)

Gene: IDH2 (isocitrate dehydrogenase (NADP(+)) 2; minus strand). Cytogenetic location: 15q26.1.
Variant type: single nucleotide variant.
Coding change: c.407A>T on transcript NM_002168.4 (MANE Select); coding-DNA position 407, A replaced by T.
Protein change: p.Asn136Ile; replaces asparagine 136 with isoleucine.
Molecular consequence: missense variant.
Genome position (GRCh38, 1-based): chr15:90,088,714, T>A on the plus strand (A>T on the coding strand, the complement: IDH2 is on the minus strand). VCF-style: chr15-90088714-T-A. GRCh37 (hg19) VCF-style: chr15-90631946-T-A.
Other names: c.251A>T, p.Asn84Ile (NM_001289910.1); c.17A>T, p.Asn6Ile (NM_001290114.2); short protein forms N84I, N6I, N136I.
Identifiers: ClinVar variation 2135666 (VCV002135666.4), dbSNP rs749063791, ClinGen allele CA393802454.
Genomic context (GRCh38, chr15:90,088,714, plus strand): 5'-TTTTTGCAGATGATGGGCTCCCGGAAGACAGTCCCCCCCAGGATGTTCCGGATAGTTCCA[T>A]TGGGACTTTTCCACATCTTCTTCAGCTTGAACTCTGTGAGGACAGAGATAATAGTGGTCC-3'
Protein context (NP_002159.2, residues 126-146): FKLKKMWKSP[Asn136Ile]GTIRNILGGT